The following is an entry in ClinVar:

NM_053025.4(MYLK):c.301del (p.Arg101fs)

Gene: MYLK (myosin light chain kinase; minus strand). Cytogenetic location: 3q21.1.
Variant type: Deletion.
Coding change: c.301del on transcript NM_053025.4 (MANE Select); coding-DNA position 301, one base deleted (A; older notation c.301delA).
Protein change: p.Arg101fs; shifts the reading frame from arginine 101.
Molecular consequence: frameshift variant. On other transcripts: intron variant (1).
Genome position (GRCh38, 1-based): chr3:123,752,403, T deleted on the plus strand (A on the coding strand, the reverse complement: MYLK is on the minus strand). VCF-style (leftmost placement, unchanged base first): chr3-123752402-CT-C. GRCh37 (hg19) VCF-style: chr3-123471249-CT-C.
Other names: c.301del, p.Arg101fs (NM_053026.4, NM_053027.4, NM_053028.4); c.-155-12402del (NM_001321309.2); c.301del (NM_053025.3); short protein forms R101fs.
Identifiers: ClinVar variation 1414507 (VCV001414507.7), dbSNP rs1280842278, ClinGen allele CA546175335.
Genomic context (GRCh38, chr3:123,752,402, plus strand): 5'-AACTCCACTGTCACCTGGCGAGCACCACTGCCATTGGTGGCTTCACAGGTATACTTTCCC[CT>C]GTCCTCCTCATGGACAGCATGAATCACAAGGCTGAAAGTCCCCCGGATGCCGCAATCCAG-3'

ClinVar aggregate classification (germline): Uncertain significance. Review status: criteria provided, multiple submitters, no conflicts (2 of 4 stars). 3 submissions from 3 submitters: Uncertain significance (3). Last evaluated 2024-05-21.

Conditions:
Familial thoracic aortic aneurysm and aortic dissection (TAAD). Also called: Thoracic aortic aneurysms and dissections. Identifiers: Orphanet 91387, MedGen C4707243, MONDO:0019625.
Aortic aneurysm, familial thoracic 7 (AAT7). Also called: AORTIC DISSECTION, FAMILIAL, WITH OR WITHOUT AORTIC ANEURYSM. Identifiers: MedGen C3151077, MONDO:0013418, OMIM 613780.
Megacystis-microcolon-intestinal hypoperistalsis syndrome 1. Identifiers: MedGen C5542316, MONDO:0100354, OMIM 249210.

Allele frequency attached by ClinVar (database versions not stated): gnomAD exomes below 0.00001; gnomAD 0.00001; TOPMed 0.00001.

Submissions (3):

Labcorp Genetics (formerly Invitae), Labcorp
Classification: Uncertain significance for Aortic aneurysm, familial thoracic 7. Last evaluated: 2024-05-21. Review status: criteria provided, single submitter. Criteria: Invitae Variant Classification Sherloc (09022015). Collection method: clinical testing. Allele origin: germline.
Comment: This sequence change creates a premature translational stop signal (p.Arg101Glyfs*17) in the MYLK gene. This variant occurs in the long isoform of MYLK (PMID: 21055718). The current clinical and genetic evidence is not sufficient to establish whether loss-of-function variants in the long isoform of MYLK cause disease. This variant is present in population databases (no rsID available, gnomAD 0.007%). This variant has not been reported in the literature in individuals affected with MYLK-related conditions. ClinVar contains an entry for this variant (Variation ID: 1414507). In summary, the available evidence is currently insufficient to determine the role of this variant in disease. Therefore, it has been classified as a Variant of Uncertain Significance.

Fulgent Genetics
Classification: Uncertain significance for Megacystis-microcolon-intestinal hypoperistalsis syndrome 1; Aortic aneurysm, familial thoracic 7. Last evaluated: 2021-07-19. Review status: criteria provided, single submitter. Criteria: ACMG Guidelines, 2015. Collection method: clinical testing. Allele origin: unknown.

Ambry Genetics
Classification: Uncertain significance for Familial thoracic aortic aneurysm and aortic dissection. Last evaluated: 2019-02-14. Review status: criteria provided, single submitter. Criteria: Ambry Variant Classification Scheme 2023. Collection method: clinical testing. Allele origin: germline.
Comment: The c.301delA variant, located in coding exon 2 of the MYLK gene, results from a deletion of one nucleotide at nucleotide position 301, causing a translational frameshift with a predicted alternate stop codon (p.R101Gfs*17). This alteration is expected to result in loss of function by premature protein truncation or nonsense-mediated mRNA decay. However, loss of function of MYLK has not been clearly established as a mechanism of disease. Furthermore, this variant occurs in the long protein isoform, and is not expected to impact the short, smooth muscle isoform which is predominantly expressed in aorta (Herring BP. Am. J. Physiol., Cell Physiol. 2000 Nov;279(5):C1656-64). Since supporting evidence is limited at this time, the clinical significance of this alteration remains unclear.

Literature cited by the submitters: PubMed 21055718 (cited by Labcorp Genetics (formerly Invitae), Labcorp); PubMed 11029314 (cited by Ambry Genetics).